The following is an entry in ClinVar:

ClinVar aggregate classification (germline): Likely benign. Review status: criteria provided, multiple submitters, no conflicts (2 of 4 stars). 2 submissions from 2 submitters: Likely benign (2). Last evaluated 2025-05-08.

Allele frequency attached by ClinVar (database versions not stated): ExAC 0.00001.
gnomAD v4.1: 8 of 1,613,920 alleles (0.0005%); highest among the groups gnomAD compares: Admixed American, 0.0033%; no homozygotes.

Submissions (2):

Labcorp Genetics (formerly Invitae), Labcorp
Classification: Likely benign. Last evaluated: 2025-05-08. Review status: criteria provided, single submitter. Criteria: Invitae Variant Classification Sherloc (09022015). Collection method: clinical testing. Allele origin: germline.

GeneDx
Classification: Likely benign. Last evaluated: 2018-03-27. Review status: criteria provided, single submitter. Criteria: GeneDx Variant Classification (06012015). Collection method: clinical testing. Allele origin: germline. Affected: yes.
Comment: This variant is considered likely benign or benign based on one or more of the following criteria: it is a conservative change, it occurs at a poorly conserved position in the protein, it is predicted to be benign by multiple in silico algorithms, and/or has population frequency not consistent with disease.

NM_001851.6(COL9A1):c.2406C>A (p.Gly802=)

Gene: COL9A1 (collagen type IX alpha 1 chain; minus strand). Cytogenetic location: 6q13.
Variant type: single nucleotide variant.
Coding change: c.2406C>A on transcript NM_001851.6 (MANE Select); coding-DNA position 2406, C replaced by A.
Protein change: p.Gly802=; no amino-acid change (glycine 802 retained).
Molecular consequence: synonymous variant. On other transcripts: non-coding transcript variant (1).
Genome position (GRCh38, 1-based): chr6:70,232,680, G>T on the plus strand (C>A on the coding strand, the complement: COL9A1 is on the minus strand). VCF-style: chr6-70232680-G-T. GRCh37 (hg19) VCF-style: chr6-70942383-G-T.
Other names: c.1707C>A, p.Gly569= (NM_001377289.1); c.1530C>A, p.Gly510= (NM_001377290.1); c.1677C>A, p.Gly559= (NM_078485.4).
Identifiers: ClinVar variation 681173 (VCV000681173.8), dbSNP rs770705023, ClinGen allele CA3881772.
Genomic context (GRCh38, chr6:70,232,680, plus strand): 5'-CTTAATGCCCGGAAGGCCACGAATTCCCATCTGGCCTGGGAAACCATTCTCTCCAGGAGG[G>T]CCGGGGGGACCAGGAGGGCCAGGCCTTCCAGGAAGCCCAGTGGCACCTGAGTCTGGACGC-3'
Protein context (NP_001842.3, residues 792-812): PGRPGPPGPP[Gly802=]PPGENGFPGQ